The following is an entry in ClinVar:

NM_000137.4(FAH):c.455+19G>C

Gene: FAH (fumarylacetoacetate hydrolase; plus strand). Cytogenetic location: 15q25.1.
Variant type: single nucleotide variant.
Coding change: c.455+19G>C on transcript NM_000137.4 (MANE Select); 19 bases into the intron after coding-DNA position 455, G replaced by C.
Molecular consequence: intron variant.
Genome position (GRCh38, 1-based): chr15:80,162,355, G>C. VCF-style: chr15-80162355-G-C. GRCh37 (hg19) VCF-style: chr15-80454697-G-C.
Other names: c.455+19G>C (NM_001374377.1, NM_001374380.1).
Identifiers: ClinVar variation 512032 (VCV000512032.4), dbSNP rs774022499, ClinGen allele CA7691165.
Genomic context (GRCh38, chr15:80,162,355, plus strand): 5'-AATCATGTTCAGGGACAAGGAGAATGCGTTGATGCCAAATTGGTATGAACTGGGCCAAAT[G>C]TCTGCATAAGTTCAAAGTCTTTCTTTTCATTTCCAGCAGCATATTTGTCTCAGGAGCTGC-3'

ClinVar aggregate classification (germline): Likely benign. Review status: criteria provided, multiple submitters, no conflicts (2 of 4 stars). 2 submissions from 2 submitters: Likely benign (2). Last evaluated 2026-01-20.

Conditions:
Tyrosinemia type I (TYRSN1). Also called: FAH DEFICIENCY; Tyrosinemia type 1; Fumarylacetoacetase deficiency; Deficiency of fumarylacetoacetase; HEPATORENAL TYROSINEMIA. Identifiers: Orphanet 882, MedGen C0268490, MONDO:0010161, OMIM 276700. Disease mechanism: loss of function.

Allele frequency attached by ClinVar (database versions not stated): ExAC 0.00001; gnomAD 0.00001; gnomAD exomes 0.00001; TOPMed 0.00002.
gnomAD v4.1: 8 of 1,580,472 alleles (0.00051%); highest among the groups gnomAD compares: Admixed American, 0.005%; no homozygotes.

Submissions (2):

Labcorp Genetics (formerly Invitae), Labcorp
Classification: Likely benign for Tyrosinemia type I. Last evaluated: 2026-01-20. Review status: criteria provided, single submitter. Criteria: Invitae Variant Classification Sherloc (09022015). Collection method: clinical testing. Allele origin: germline.

GeneDx
Classification: Likely benign. Last evaluated: 2017-10-03. Review status: criteria provided, single submitter. Criteria: GeneDx Variant Classification (06012015). Collection method: clinical testing. Allele origin: germline. Affected: yes.
Comment: This variant is considered likely benign or benign based on one or more of the following criteria: it is a conservative change, it occurs at a poorly conserved position in the protein, it is predicted to be benign by multiple in silico algorithms, and/or has population frequency not consistent with disease.